The following is an entry in ClinVar:

ClinVar aggregate classification (germline): Uncertain significance. Review status: criteria provided, multiple submitters, no conflicts (2 of 4 stars). 3 submissions from 3 submitters: Uncertain significance (3). Last evaluated 2024-09-12.

Conditions:
Sitosterolemia 1. Identifiers: MedGen C2749759, MONDO:0020747, OMIM 210250.

gnomAD v4.1: 4 of 1,613,684 alleles (0.00025%); highest among the groups gnomAD compares: Admixed American, 0.0017%; no homozygotes.

Submissions (3):

Revvity Omics, Revvity
Classification: Uncertain significance for Sitosterolemia 1. Last evaluated: 2024-09-12. Review status: criteria provided, single submitter. Criteria: ACMG Guidelines, 2015. Collection method: clinical testing. Allele origin: germline.

Labcorp Genetics (formerly Invitae), Labcorp
Classification: Uncertain significance. Last evaluated: 2023-12-15. Review status: criteria provided, single submitter. Criteria: Invitae Variant Classification Sherloc (09022015). Collection method: clinical testing. Allele origin: germline.
Comment: This sequence change replaces glycine, which is neutral and non-polar, with alanine, which is neutral and non-polar, at codon 490 of the ABCG8 protein (p.Gly490Ala). This variant is not present in population databases (gnomAD no frequency). This variant has not been reported in the literature in individuals affected with ABCG8-related conditions. ClinVar contains an entry for this variant (Variation ID: 595465). Advanced modeling of protein sequence and biophysical properties (such as structural, functional, and spatial information, amino acid conservation, physicochemical variation, residue mobility, and thermodynamic stability) performed at Invitae indicates that this missense variant is not expected to disrupt ABCG8 protein function with a negative predictive value of 80%. In summary, the available evidence is currently insufficient to determine the role of this variant in disease. Therefore, it has been classified as a Variant of Uncertain Significance.

Eurofins Ntd Llc (ga)
Classification: Uncertain significance. Last evaluated: 2017-12-20. Review status: criteria provided, single submitter. Criteria: EGL Classification Definitions 2015. Collection method: clinical testing. Allele origin: germline. Observed: 1 variant allele, 1 heterozygote.

NM_022437.3(ABCG8):c.1469G>C (p.Gly490Ala)

Gene: ABCG8 (ATP binding cassette subfamily G member 8; plus strand). Cytogenetic location: 2p21.
Variant type: single nucleotide variant.
Coding change: c.1469G>C on transcript NM_022437.3 (MANE Select); coding-DNA position 1469, G replaced by C.
Protein change: p.Gly490Ala; replaces glycine 490 with alanine.
Molecular consequence: missense variant.
Genome position (GRCh38, 1-based): chr2:43,874,464, G>C. VCF-style: chr2-43874464-G-C. GRCh37 (hg19) VCF-style: chr2-44101603-G-C.
Other names: c.1466G>C, p.Gly489Ala (NM_001357321.2); short protein forms G490A, G489A.
Identifiers: ClinVar variation 595465 (VCV000595465.8), dbSNP rs1262203792, ClinGen allele CA346669962.